The following is an entry in ClinVar:

ClinVar aggregate classification (germline): Uncertain significance (1 of 4 stars; one submission).

Conditions:
Dilated cardiomyopathy 1HH (CMD1HH). Identifiers: Orphanet 154, MedGen C3151293, MONDO:0013479, OMIM 613881.
Myofibrillar myopathy 6. Identifiers: Orphanet 199340, MedGen C2751831, MONDO:0013061, OMIM 612954.

Submission:

Labcorp Genetics (formerly Invitae), Labcorp
Classification: Uncertain significance for Dilated cardiomyopathy 1HH; Myofibrillar myopathy 6. Last evaluated: 2024-09-05. Review status: criteria provided, single submitter. Criteria: Invitae Variant Classification Sherloc (09022015). Collection method: clinical testing. Allele origin: germline.
Comment: This sequence change replaces valine, which is neutral and non-polar, with isoleucine, which is neutral and non-polar, at codon 366 of the BAG3 protein (p.Val366Ile). This variant is not present in population databases (gnomAD no frequency). This variant has not been reported in the literature in individuals affected with BAG3-related conditions. ClinVar contains an entry for this variant (Variation ID: 1467068). Invitae Evidence Modeling of protein sequence and biophysical properties (such as structural, functional, and spatial information, amino acid conservation, physicochemical variation, residue mobility, and thermodynamic stability) indicates that this missense variant is not expected to disrupt BAG3 protein function with a negative predictive value of 80%. In summary, the available evidence is currently insufficient to determine the role of this variant in disease. Therefore, it has been classified as a Variant of Uncertain Significance.

NM_004281.4(BAG3):c.1096G>A (p.Val366Ile)

Gene: BAG3 (BAG cochaperone 3; plus strand). Cytogenetic location: 10q26.11.
Variant type: single nucleotide variant.
Coding change: c.1096G>A on transcript NM_004281.4 (MANE Select); coding-DNA position 1096, G replaced by A.
Protein change: p.Val366Ile; replaces valine 366 with isoleucine.
Molecular consequence: missense variant.
Genome position (GRCh38, 1-based): chr10:119,676,650, G>A. VCF-style: chr10-119676650-G-A. GRCh37 (hg19) VCF-style: chr10-121436162-G-A.
Other names: short protein forms V366I.
Identifiers: ClinVar variation 1467068 (VCV001467068.6), dbSNP rs1215731985, ClinGen allele CA378296629.